The following is an entry in ClinVar:

ClinVar aggregate classification (germline): Likely benign. Review status: criteria provided, multiple submitters, no conflicts (2 of 4 stars). 3 submissions from 3 submitters: Likely benign (3). Last evaluated 2025-10-23.

Allele frequency attached by ClinVar (database versions not stated): TOPMed 0.00011; gnomAD 0.00008 and 0.00009; gnomAD exomes 0.00002.
gnomAD v4.1: 21 of 1,510,756 alleles (0.0014%); highest among the groups gnomAD compares: African/African-American, 0.027%; no homozygotes.

Submissions (3):

Labcorp Genetics (formerly Invitae), Labcorp
Classification: Likely benign. Last evaluated: 2025-10-23. Review status: criteria provided, single submitter. Criteria: Invitae Variant Classification Sherloc (09022015). Collection method: clinical testing. Allele origin: germline.

ARUP Laboratories, Molecular Genetics and Genomics, ARUP Laboratories
Classification: Likely benign. Last evaluated: 2018-03-08. Review status: criteria provided, single submitter. Criteria: ARUP Molecular Germline Variant Investigation Process. Collection method: clinical testing. Allele origin: germline.
Comment: The c.72C>G; p.Thr24Thr variant (rs910320605) does not alter the amino acid sequence of the SLC25A4 protein and computational splice site prediction algorithms do not predict a change in the nearest splice site or creation of a cryptic splice site. This variant has not been reported in medical literature or in gene specific variation databases. This variant is listed in the genome Aggregation Database (gnomAD) with an overall population frequency of 0.002% (identified on 3 out of 123,270 chromosomes). Based on the available information, the c.72C>G variant is likely to be benign.

Breakthrough Genomics
Classification: Likely benign. Review status: criteria provided, single submitter. Criteria: ACMG Guidelines, 2015. Collection method: not provided. Allele origin: germline. Inheritance: Autosomal recessive inheritance. Affected: yes.

NM_001151.4(SLC25A4):c.72C>G (p.Thr24=)

Gene: SLC25A4 (solute carrier family 25 member 4; plus strand). Cytogenetic location: 4q35.1.
Variant type: single nucleotide variant.
Coding change: c.72C>G on transcript NM_001151.4 (MANE Select); coding-DNA position 72, C replaced by G.
Protein change: p.Thr24=; no amino-acid change (threonine 24 retained).
Molecular consequence: synonymous variant.
Genome position (GRCh38, 1-based): chr4:185,143,444, C>G. VCF-style: chr4-185143444-C-G. GRCh37 (hg19) VCF-style: chr4-186064598-C-G.
Identifiers: ClinVar variation 618878 (VCV000618878.12), dbSNP rs910320605, ClinGen allele CA112004414.
Genomic context (GRCh38, chr4:185,143,444, plus strand): 5'-CGCTTGGAGCTTCCTAAAGGACTTCCTGGCCGGGGGCGTCGCCGCTGCCGTCTCCAAGAC[C>G]GCGGTCGCCCCCATCGAGAGGGTCAAACTGCTGCTGCAGGTGAGGACCGCGCGGTGCAAG-3'
Protein context (NP_001142.2, residues 14-34): AGGVAAAVSK[Thr24=]AVAPIERVKL